The following is an entry in ClinVar:

NM_152419.3(HGSNAT):c.1075G>A (p.Val359Ile)

Gene: HGSNAT (heparan-alpha-glucosaminide N-acetyltransferase; plus strand). Cytogenetic location: 8p11.21.
Variant type: single nucleotide variant.
Coding change: c.1075G>A on transcript NM_152419.3 (MANE Select); coding-DNA position 1075, G replaced by A.
Protein change: p.Val359Ile; replaces valine 359 with isoleucine.
Molecular consequence: missense variant.
Genome position (GRCh38, 1-based): chr8:43,182,207, G>A. VCF-style: chr8-43182207-G-A. GRCh37 (hg19) VCF-style: chr8-43037350-G-A.
Other names: c.1075G>A, p.Val359Ile (NM_001363227.2); c.883G>A, p.Val295Ile (NM_001363228.2); c.211G>A, p.Val71Ile (NM_001363229.2); short protein forms V295I, V359I, V71I.
Identifiers: ClinVar variation 1426632 (VCV001426632.6), dbSNP rs1200184747, ClinGen allele CA371118425.
Genomic context (GRCh38, chr8:43,182,207, plus strand): 5'-TCTTGGGACAAGGTGCGCATTCCTGGTGTGCTGCAGCGATTGGGAGTGACATACTTTGTG[G>A]TTGCTGTGTTGGAGCTCCTCTTTGCTAAACCTGTGCCTGAACATTGTGCCTCGGTGAGAA-3'
Protein context (NP_689632.2, residues 349-369): LQRLGVTYFV[Val359Ile]AVLELLFAKP

ClinVar aggregate classification (germline): Uncertain significance (1 of 4 stars; one submission).

Conditions:
Mucopolysaccharidosis, MPS-III-C (MPS3C). Also called: SANFILIPPO SYNDROME C; MPS III C; MPS IIIC (Sanfilippo Syndrome Type C); MUCOPOLYSACCHARIDOSIS, TYPE IIIC; Mucopolysaccharidosis type IIIC (Sanfilippo C); mucopolysaccharidosis type 3C. Identifiers: Orphanet 581, Orphanet 79271, MedGen C0086649, MONDO:0009657, OMIM 252930.
Retinitis pigmentosa 73 (RP73). Identifiers: Orphanet 791, MedGen C4225287, MONDO:0014687, OMIM 616544.

Allele frequency attached by ClinVar (database versions not stated): gnomAD 0.00001; gnomAD exomes below 0.00001.
gnomAD v4.1: 2 of 1,613,882 alleles (0.00012%); highest among the groups gnomAD compares: Non-Finnish European, 0.00017%; no homozygotes.

Submission:

Labcorp Genetics (formerly Invitae), Labcorp
Classification: Uncertain significance for Retinitis pigmentosa 73; Mucopolysaccharidosis, MPS-III-C. Last evaluated: 2024-11-05. Review status: criteria provided, single submitter. Criteria: Invitae Variant Classification Sherloc (09022015). Collection method: clinical testing. Allele origin: germline.
Comment: This sequence change replaces valine, which is neutral and non-polar, with isoleucine, which is neutral and non-polar, at codon 359 of the HGSNAT protein (p.Val359Ile). This variant is present in population databases (no rsID available, gnomAD 0.0009%). This variant has not been reported in the literature in individuals affected with HGSNAT-related conditions. ClinVar contains an entry for this variant (Variation ID: 1426632). Invitae Evidence Modeling of protein sequence and biophysical properties (such as structural, functional, and spatial information, amino acid conservation, physicochemical variation, residue mobility, and thermodynamic stability) has been performed for this missense variant. However, the output from this modeling did not meet the statistical confidence thresholds required to predict the impact of this variant on HGSNAT protein function. In summary, the available evidence is currently insufficient to determine the role of this variant in disease. Therefore, it has been classified as a Variant of Uncertain Significance.